The following is an entry in ClinVar:

ClinVar aggregate classification (germline): Pathogenic/Likely pathogenic. Review status: criteria provided, multiple submitters, no conflicts (2 of 4 stars). 5 submissions from 5 submitters: Pathogenic (4); Likely pathogenic (1). Last evaluated 2026-01-26.

Conditions:
SGCG-related disorder. Also called: SGCG-related condition.
Autosomal recessive limb-girdle muscular dystrophy type 2C (LGMDR5). Also called: MUSCULAR DYSTROPHY, LIMB-GIRDLE, AUTOSOMAL RECESSIVE 5; MUSCULAR DYSTROPHY, DUCHENNE-LIKE. Identifiers: Orphanet 353, MedGen C0410173, MONDO:0009677, OMIM 253700. Disease mechanism: Affects gamma-sarcoglycan and also disrupts the integrity of the entire sarcoglycan complex..

Submissions (5):

Natera, Inc.
Classification: Pathogenic for Limb-girdle muscular dystrophy type 2C. Last evaluated: 2026-01-26. Review status: criteria provided, single submitter. Criteria: Natera Variant Classification Schema (03/2026). Collection method: clinical testing. Allele origin: germline.
Comment: The c.549dup variant in SGCG is a frameshift variant predicted to shift the reading frame beginning at codon 184 and leads to a stop codon 10 codons downstream. This variant is expected to result in nonsense mediated decay, truncation, or a dysfunctional protein product. This variant is rare in the general population with a frequency below the threshold expected for the associated phenotype(s). This variant has been observed in one or more individuals affected with the associated recessive disease, as either homozygous or compound heterozygous with a second variant (PMID: 19167890). Given the available evidence, this variant is classified as Pathogenic.

Fulgent Genetics
Classification: Pathogenic for Autosomal recessive limb-girdle muscular dystrophy type 2C. Last evaluated: 2024-06-17. Review status: criteria provided, single submitter. Criteria: ACMG Guidelines, 2015. Collection method: clinical testing. Allele origin: germline.

Baylor Genetics
Classification: Pathogenic for Autosomal recessive limb-girdle muscular dystrophy type 2C. Last evaluated: 2024-03-23. Review status: criteria provided, single submitter. Criteria: ACMG Guidelines, 2015. Collection method: clinical testing. Allele origin: unknown.

Labcorp Genetics (formerly Invitae), Labcorp
Classification: Pathogenic for Autosomal recessive limb-girdle muscular dystrophy type 2C. Last evaluated: 2022-05-29. Review status: criteria provided, single submitter. Criteria: Invitae Variant Classification Sherloc (09022015). Collection method: clinical testing. Allele origin: germline.
Comment: This variant is not present in population databases (gnomAD no frequency). This sequence change creates a premature translational stop signal (p.Val184Cysfs*10) in the SGCG gene. It is expected to result in an absent or disrupted protein product. Loss-of-function variants in SGCG are known to be pathogenic (PMID: 18285821). ClinVar contains an entry for this variant (Variation ID: 1455914). For these reasons, this variant has been classified as Pathogenic. This premature translational stop signal has been observed in individual(s) with limb-girdle muscular dystrophy type 2C (PMID: 19167890).

Blueprint Genetics
Classification: Likely pathogenic for SGCG-related disorders. Last evaluated: 2020-12-01. Review status: criteria provided, single submitter. Criteria: ACMG Guidelines, 2015. Collection method: clinical testing. Allele origin: germline. Affected: yes. Observed: 1 variant allele.

Literature cited by the submitters: PubMed 19167890 (cited by Natera, Inc. and Labcorp Genetics (formerly Invitae), Labcorp); PubMed 18285821 (cited by Labcorp Genetics (formerly Invitae), Labcorp).

NM_000231.3(SGCG):c.549dup (p.Val184fs)

Gene: SGCG (sarcoglycan gamma; plus strand). Cytogenetic location: 13q12.12.
Variant type: Duplication.
Coding change: c.549dup on transcript NM_000231.3 (MANE Select); coding-DNA position 549, one base duplicated (T; older notation c.549dupT).
Protein change: p.Val184fs; shifts the reading frame from valine 184.
Molecular consequence: frameshift variant.
Genome position (GRCh38, 1-based): chr13:23,295,458, T duplicated; the last of 2 consecutive T bases (chr13:23,295,457-23,295,458); duplicating either gives the same sequence. VCF-style (leftmost placement, unchanged base first): chr13-23295456-C-CT. GRCh37 (hg19) VCF-style: chr13-23869595-C-CT.
Other names: c.549dup (NM_000231.2); c.603dup, p.Val202fs (NM_001378244.1); c.549dup, p.Val184fs (NM_001378245.1, NM_001378246.1); short protein forms V184fs, V202fs.
Identifiers: ClinVar variation 1455914 (VCV001455914.10), dbSNP rs2137644772, ClinGen allele CA915940541.
Genomic context (GRCh38, chr13:23,295,456, plus strand): 5'-ATCTTTGTTTTTTGTTTAGGGCCTGAAGGGGCTCTTTTTGAACATTCAGTGGAGACACCC[C>CT]TTGTCAGAGCCGACCCGTTTCAAGACCTTAGGTAAGAATTTTTGTTCAAATATTAACAAC-3'